The following is an entry in ClinVar:

NM_024642.5(GALNT12):c.1435T>A (p.Cys479Ser)

Gene: GALNT12 (polypeptide N-acetylgalactosaminyltransferase 12; plus strand). Cytogenetic location: 9q22.33.
Variant type: single nucleotide variant.
Coding change: c.1435T>A on transcript NM_024642.5 (MANE Select); coding-DNA position 1435, T replaced by A.
Protein change: p.Cys479Ser; replaces cysteine 479 with serine.
Molecular consequence: missense variant.
Genome position (GRCh38, 1-based): chr9:98,844,186, T>A. VCF-style: chr9-98844186-T-A. GRCh37 (hg19) VCF-style: chr9-101606468-T-A.
Other names: short protein forms C479S.
Identifiers: ClinVar variation 1772612 (VCV001772612.2), dbSNP rs2490552643, ClinGen allele CA374221514.

ClinVar aggregate classification (germline): Uncertain significance (1 of 4 stars; one submission).

Submission:

Ambry Genetics
Classification: Uncertain significance. Last evaluated: 2021-10-12. Review status: criteria provided, single submitter. Criteria: Ambry Variant Classification Scheme 2023. Collection method: clinical testing. Allele origin: germline.
Comment: The p.C479S variant (also known as c.1435T>A), located in coding exon 8 of the GALNT12 gene, results from a T to A substitution at nucleotide position 1435. The cysteine at codon 479 is replaced by serine, an amino acid with dissimilar properties. This amino acid position is conserved. In addition, this alteration is predicted to be deleterious by in silico analysis. Since supporting evidence is limited at this time, the clinical significance of this alteration remains unclear.